The following is an entry in ClinVar:

ClinVar aggregate classification (germline): Uncertain significance (1 of 4 stars; one submission).

Conditions:
Inborn genetic diseases. Identifiers: MedGen C0950123, MeSH D030342.

Submission:

Ambry Genetics
Classification: Uncertain significance for Inborn genetic diseases. Last evaluated: 2026-08-05. Review status: criteria provided, single submitter. Criteria: Ambry Variant Classification Scheme 2023. Collection method: clinical testing. Allele origin: germline.
Comment: The p.K1465N variant (also known as c.4395G>C), located in coding exon 1 of the SAMD9 gene, results from a G to C substitution at nucleotide position 4395. The lysine at codon 1465 is replaced by asparagine, an amino acid with similar properties. This amino acid position is conserved. In addition, this alteration is predicted to be tolerated by in silico analysis. Based on the available evidence, the clinical significance of this variant remains unclear.

NM_017654.4(SAMD9):c.4395G>C (p.Lys1465Asn)

Gene: SAMD9 (sterile alpha motif domain containing 9; minus strand). Cytogenetic location: 7q21.2.
Variant type: single nucleotide variant.
Coding change: c.4395G>C on transcript NM_017654.4 (MANE Select); coding-DNA position 4395, G replaced by C.
Protein change: p.Lys1465Asn; replaces lysine 1465 with asparagine.
Molecular consequence: missense variant.
Genome position (GRCh38, 1-based): chr7:93,101,703, C>G on the plus strand (G>C on the coding strand, the complement: SAMD9 is on the minus strand). VCF-style: chr7-93101703-C-G. GRCh37 (hg19) VCF-style: chr7-92731016-C-G.
Other names: c.4395G>C, p.Lys1465Asn (NM_001193307.2); short protein forms K1465N.
Identifiers: ClinVar variation 5028781 (VCV005028781.1).